The following is an entry in ClinVar:

NM_015192.4(PLCB1):c.3238A>G (p.Ile1080Val)

Gene: PLCB1 (phospholipase C beta 1; plus strand). Cytogenetic location: 20p12.3.
Variant type: single nucleotide variant.
Coding change: c.3238A>G on transcript NM_015192.4 (MANE Select); coding-DNA position 3238, A replaced by G.
Protein change: p.Ile1080Val; replaces isoleucine 1080 with valine.
Molecular consequence: missense variant.
Genome position (GRCh38, 1-based): chr20:8,788,682, A>G. VCF-style: chr20-8788682-A-G. GRCh37 (hg19) VCF-style: chr20-8769329-A-G.
Other names: c.3238A>G, p.Ile1080Val (NM_182734.3); short protein forms I1080V.
Identifiers: ClinVar variation 1039412 (VCV001039412.9), dbSNP rs1303531069, ClinGen allele CA408209743.
Genomic context (GRCh38, chr20:8,788,682, plus strand): 5'-TGTGACTTCAGAGAAAAGAAAGAATTAAAGAAGAAAATGGATAAAAAGAGGCAGGAGAAG[A>G]TAACAGAAGCTAAATCCAAAGACAAAAGTCAGATGGAAGAGTAAGTCAAAAGTGTCCCCT-3'
Protein context (NP_056007.1, residues 1070-1090): KKMDKKRQEK[Ile1080Val]TEAKSKDKSQ

ClinVar aggregate classification (germline): Uncertain significance (1 of 4 stars; one submission).

Conditions:
Developmental and epileptic encephalopathy, 12 (DEE12). Identifiers: MedGen C3150988, MONDO:0013389, OMIM 613722.

Allele frequency attached by ClinVar (database versions not stated): gnomAD exomes below 0.00001; TOPMed below 0.00001.
gnomAD v4.1: 1 of 1,611,934 alleles (0.000062%); highest among the groups gnomAD compares: Non-Finnish European, 0.000085%; no homozygotes.

Submission:

Labcorp Genetics (formerly Invitae), Labcorp
Classification: Uncertain significance for Developmental and epileptic encephalopathy, 12. Last evaluated: 2024-04-01. Review status: criteria provided, single submitter. Criteria: Invitae Variant Classification Sherloc (09022015). Collection method: clinical testing. Allele origin: germline.
Comment: This sequence change replaces isoleucine, which is neutral and non-polar, with valine, which is neutral and non-polar, at codon 1080 of the PLCB1 protein (p.Ile1080Val). This variant is not present in population databases (gnomAD no frequency). This variant has not been reported in the literature in individuals affected with PLCB1-related conditions. ClinVar contains an entry for this variant (Variation ID: 1039412). Advanced modeling of protein sequence and biophysical properties (such as structural, functional, and spatial information, amino acid conservation, physicochemical variation, residue mobility, and thermodynamic stability) performed at Invitae indicates that this missense variant is not expected to disrupt PLCB1 protein function with a negative predictive value of 80%. In summary, the available evidence is currently insufficient to determine the role of this variant in disease. Therefore, it has been classified as a Variant of Uncertain Significance.